The following is an entry in ClinVar:

ClinVar aggregate classification (germline): Likely benign (1 of 4 stars; one submission).

Allele frequency attached by ClinVar (database versions not stated): ExAC 0.00046; gnomAD 0.00173; 1000 Genomes Project 30x 0.00609.
gnomAD v4.1: 1,429 of 1,610,690 alleles (0.089%); highest among the groups gnomAD compares: East Asian, 0.31%; 9 homozygotes.

Submission:

CeGaT Center for Human Genetics Tuebingen
Classification: Likely benign. Last evaluated: 2023-01-01. Review status: criteria provided, single submitter. Criteria: CeGaT Center For Human Genetics Tuebingen Variant Classification Criteria Version 2. Collection method: clinical testing. Allele origin: germline. Affected: yes. Observed: 1 variant allele.
Comment: CDK11B: BP4, BP7

NM_033486.3(CDK11B):c.1452C>T (p.Ile484=)

Gene: CDK11B (cyclin dependent kinase 11B; minus strand). Cytogenetic location: 1p36.33.
Variant type: single nucleotide variant.
Coding change: c.1452C>T on transcript NM_033486.3 (MANE Select); coding-DNA position 1452, C replaced by T.
Protein change: p.Ile484=; no amino-acid change (isoleucine 484 retained).
Molecular consequence: synonymous variant.
Genome position (GRCh38, 1-based): chr1:1,637,774, G>A on the plus strand (C>T on the coding strand, the complement: CDK11B is on the minus strand). VCF-style: chr1-1637774-G-A. GRCh37 (hg19) VCF-style: chr1-1573136-G-A.
Other names: c.1422C>T, p.Ile474= (NM_001291345.2); c.1491C>T, p.Ile497= (NM_001787.3); c.684C>T, p.Ile228= (NM_033487.3); c.1350C>T, p.Ile450= (NM_033489.3); c.801C>T, p.Ile267= (NM_033490.3).
Identifiers: ClinVar variation 2638050 (VCV002638050.24), dbSNP rs17434073, ClinGen allele CA528888.